The following is an entry in ClinVar:

ClinVar aggregate classification (germline): Likely benign (1 of 4 stars; one submission).

Submission:

CeGaT Center for Human Genetics Tuebingen
Classification: Likely benign. Last evaluated: 2026-06-01. Review status: criteria provided, single submitter. Criteria: CeGaT Center For Human Genetics Tuebingen Variant Classification Criteria Version 2. Collection method: clinical testing. Allele origin: germline. Affected: yes. Observed: 1 variant allele.
Comment: NSD1: PM2:Supporting, BP4, BP7

NM_022455.5(NSD1):c.3354T>C (p.Asp1118=)

Gene: NSD1 (nuclear receptor binding SET domain protein 1; plus strand). Cytogenetic location: 5q35.3.
Variant type: single nucleotide variant.
Coding change: c.3354T>C on transcript NM_022455.5 (MANE Select); coding-DNA position 3354, T replaced by C.
Protein change: p.Asp1118=; no amino-acid change (aspartic acid 1118 retained).
Molecular consequence: synonymous variant.
Genome position (GRCh38, 1-based): chr5:177,211,753, T>C. VCF-style: chr5-177211753-T-C. GRCh37 (hg19) VCF-style: chr5-176638754-T-C.
Other names: c.2481T>C, p.Asp827= (NM_001409307.1, NM_001409308.1, NM_001409309.1 and 3 more transcripts); c.3354T>C, p.Asp1118= (NM_001409301.1, NM_001409302.1, NM_001409303.1); c.2934T>C, p.Asp978= (NM_001409304.1); c.2601T>C, p.Asp867= (NM_001409305.1).
Identifiers: ClinVar variation 4875161 (VCV004875161.2).
Genomic context (GRCh38, chr5:177,211,753, plus strand): 5'-AAGTGAAGATGGTGACCATTTTTCTGATGTGCATTTCGATAGCAAGGTTAAGCAATCTGA[T>C]CCTGGTAAAATTTCTGAAAAAGGACTCTCTTTTGAAAACGGAAAAGGCCCAGAGCTGGAC-3'
Protein context (NP_071900.2, residues 1108-1128): VHFDSKVKQS[Asp1118=]PGKISEKGLS